The following is an entry in ClinVar:

NC_000009.12:g.35657680G>A

Gene: RMRP (RNA component of mitochondrial RNA processing endoribonuclease; minus strand). Cytogenetic location: 9p13.3.
Variant type: single nucleotide variant.
Genome position: GRCh38 VCF-style: chr9-35657680-G-A. GRCh37 (hg19) VCF-style: chr9-35657677-G-A.
Identifiers: ClinVar variation 2153166 (VCV002153166.1), dbSNP rs1823592567, ClinGen allele CA2580080424.

ClinVar aggregate classification (germline): Uncertain significance (1 of 4 stars; one submission).

Conditions:
Anauxetic dysplasia. Identifiers: Orphanet 93347, MedGen C1846796, MONDO:0011773.

Submission:

Labcorp Genetics (formerly Invitae), Labcorp
Classification: Uncertain significance for Anauxetic dysplasia. Last evaluated: 2022-08-23. Review status: criteria provided, single submitter. Criteria: Invitae Variant Classification Sherloc (09022015). Collection method: clinical testing. Allele origin: germline.
Comment: This variant occurs in the RMRP gene, which encodes an RNA molecule that does not result in a protein product. This variant is not present in population databases (gnomAD no frequency). This variant has not been reported in the literature in individuals affected with RMRP-related conditions. Experimental studies and prediction algorithms are not available or were not evaluated, and the functional significance of this variant is currently unknown. In summary, the available evidence is currently insufficient to determine the role of this variant in disease. Therefore, it has been classified as a Variant of Uncertain Significance.